The following is an entry in ClinVar:

ClinVar aggregate classification (germline): Likely benign. Review status: criteria provided, multiple submitters, no conflicts (2 of 4 stars). 2 submissions from 2 submitters: Likely benign (2). Last evaluated 2025-06-17.

Conditions:
Brugada syndrome 4 (BRGDA4). Identifiers: Orphanet 130, MedGen C2678477, MONDO:0012743, OMIM 611876.
CACNB2-related disorder. Also called: CACNB2-related condition.

Allele frequency attached by ClinVar (database versions not stated): gnomAD 0.00011 and 0.00010; TOPMed 0.00008.
gnomAD v4.1: 20 of 1,604,882 alleles (0.0012%); highest among the groups gnomAD compares: African/African-American, 0.024%; no homozygotes.

Submissions (2):

PreventionGenetics, part of Exact Sciences
Classification: Likely benign for CACNB2-related condition. Last evaluated: 2025-06-17. Review status: criteria provided, single submitter. Criteria: ACMG Guidelines, 2015. Collection method: clinical testing. Allele origin: germline.
Comment: This variant is classified as likely benign based on ACMG/AMP sequence variant interpretation guidelines (Richards et al. 2015 PMID: 25741868, with internal and published modifications).

Labcorp Genetics (formerly Invitae), Labcorp
Classification: Likely benign for Brugada syndrome 4. Last evaluated: 2024-06-04. Review status: criteria provided, single submitter. Criteria: Invitae Variant Classification Sherloc (09022015). Collection method: clinical testing. Allele origin: germline.

NM_201596.3(CACNB2):c.1488+7G>A

Gene: CACNB2 (calcium voltage-gated channel auxiliary subunit beta 2; plus strand). Cytogenetic location: 10p12.31.
Variant type: single nucleotide variant.
Coding change: c.1488+7G>A on transcript NM_201596.3 (MANE Select); 7 bases into the intron after coding-DNA position 1488, G replaced by A.
Molecular consequence: intron variant.
Genome position (GRCh38, 1-based): chr10:18,538,372, G>A. VCF-style: chr10-18538372-G-A. GRCh37 (hg19) VCF-style: chr10-18827301-G-A.
Other names: c.1326+7G>A (NM_201590.2, NM_201590.3); c.1404+7G>A (NM_201571.4); c.1290+7G>A (NM_001167945.2); c.1332+7G>A (NM_201572.4); c.1374+7G>A (NM_201593.3); c.1416+7G>A (NM_201597.3); c.1323+7G>A (NM_000724.4); c.1209+7G>A (NM_001330060.2); and 1 more.
Identifiers: ClinVar variation 1089034 (VCV001089034.10), dbSNP rs770757228, ClinGen allele CA5430038.